The following is an entry in ClinVar:

NM_001394062.1(MACF1):c.3734C>T (p.Ser1245Phe)

Gene: MACF1 (microtubule actin crosslinking factor 1; plus strand). Cytogenetic location: 1p34.3.
Variant type: single nucleotide variant.
Coding change: c.3734C>T on transcript NM_001394062.1 (MANE Select); coding-DNA position 3734, C replaced by T.
Protein change: p.Ser1245Phe; replaces serine 1245 with phenylalanine.
Molecular consequence: missense variant.
Genome position (GRCh38, 1-based): chr1:39,317,359, C>T. VCF-style: chr1-39317359-C-T. GRCh37 (hg19) VCF-style: chr1-39783031-C-T.
Other names: c.3749C>T, p.Ser1250Phe (NM_012090.5); short protein forms S1250F, S1245F.
Identifiers: ClinVar variation 4779888 (VCV004779888.1).

ClinVar aggregate classification (germline): Uncertain significance (1 of 4 stars; one submission).

gnomAD v4.1: 4 of 1,613,584 alleles (0.00025%); highest among the groups gnomAD compares: Admixed American, 0.0033%; no homozygotes.

Submission:

Labcorp Genetics (formerly Invitae), Labcorp
Classification: Uncertain significance. Last evaluated: 2025-12-13. Review status: criteria provided, single submitter. Criteria: Invitae Variant Classification Sherloc (09022015). Collection method: clinical testing. Allele origin: germline.
Comment: This sequence change replaces serine, which is neutral and polar, with phenylalanine, which is neutral and non-polar, at codon 1250 of the MACF1 protein (p.Ser1250Phe). This variant is present in population databases (no rsID available, gnomAD 0.003%). This variant has not been reported in the literature in individuals affected with MACF1-related conditions. An algorithm developed to predict the effect of missense changes on protein structure and function (PolyPhen-2) suggests that this variant is likely to be disruptive. In summary, the available evidence is currently insufficient to determine the role of this variant in disease. Therefore, it has been classified as a Variant of Uncertain Significance.